The following is an entry in ClinVar:

NM_003632.3(CNTNAP1):c.4021C>G (p.Gln1341Glu)

Genes: CNTNAP1 (contactin associated protein 1; plus strand), LOC128669077 (EZH1 +46 kb erythroid enhancer; plus strand). Cytogenetic location: 17q21.2.
Variant type: single nucleotide variant.
Coding change: c.4021C>G on transcript NM_003632.3 (MANE Select); coding-DNA position 4021, C replaced by G.
Protein change: p.Gln1341Glu; replaces glutamine 1341 with glutamic acid.
Molecular consequence: missense variant.
Genome position (GRCh38, 1-based): chr17:42,698,776, C>G. VCF-style: chr17-42698776-C-G. GRCh37 (hg19) VCF-style: chr17-40850794-C-G.
Other names: p.Gln1341Glu; short protein forms Q1341E.
Identifiers: ClinVar variation 2683424 (VCV002683424.1), dbSNP rs143154224, ClinGen allele CA8582514.

ClinVar aggregate classification (germline): Uncertain significance (1 of 4 stars; one submission).

Allele frequency attached by ClinVar (database versions not stated): ExAC 0.00001; gnomAD 0.00001; TOPMed 0.00001; gnomAD exomes 0.00002; ESP Exome Variant Server 0.00008.
gnomAD v4.1: 34 of 1,612,418 alleles (0.0021%); highest among the groups gnomAD compares: Non-Finnish European, 0.0028%; no homozygotes.

Submission:

Mayo Clinic Laboratories, Mayo Clinic
Classification: Uncertain significance. Last evaluated: 2022-08-04. Review status: criteria provided, single submitter. Criteria: ACMG Guidelines, 2015. Collection method: clinical testing. Allele origin: germline. Observed: 1 variant allele.
Comment: PM2